The following is an entry in ClinVar:

ClinVar aggregate classification (germline): Uncertain significance (1 of 4 stars; one submission).

Conditions:
Inborn genetic diseases. Identifiers: MedGen C0950123, MeSH D030342.

Allele frequency attached by ClinVar (database versions not stated): TOPMed below 0.00001.
gnomAD v4.1: 2 of 1,234,074 alleles (0.00016%); highest among the groups gnomAD compares: African/African-American, 0.0031%; no homozygotes.

Submission:

Ambry Genetics
Classification: Uncertain significance for Inborn genetic diseases. Last evaluated: 2021-06-14. Review status: criteria provided, single submitter. Criteria: Ambry Variant Classification Scheme 2023. Collection method: clinical testing. Allele origin: germline.
Comment: The p.A77V variant (also known as c.230C>T), located in coding exon 1 of the SMAD6 gene, results from a C to T substitution at nucleotide position 230. The alanine at codon 77 is replaced by valine, an amino acid with similar properties. This amino acid position is conserved. In addition, this alteration is predicted to be tolerated by in silico analysis. Since supporting evidence is limited at this time, the clinical significance of this alteration remains unclear.

NM_005585.5(SMAD6):c.230C>T (p.Ala77Val)

Gene: SMAD6 (SMAD family member 6; plus strand). Cytogenetic location: 15q22.31.
Variant type: single nucleotide variant.
Coding change: c.230C>T on transcript NM_005585.5 (MANE Select); coding-DNA position 230, C replaced by T.
Protein change: p.Ala77Val; replaces alanine 77 with valine.
Molecular consequence: missense variant. On other transcripts: non-coding transcript variant (1).
Genome position (GRCh38, 1-based): chr15:66,703,488, C>T. VCF-style: chr15-66703488-C-T. GRCh37 (hg19) VCF-style: chr15-66995826-C-T.
Other names: short protein forms A77V.
Identifiers: ClinVar variation 1789411 (VCV001789411.2), dbSNP rs1399390207, ClinGen allele CA392948983.